The following is an entry in ClinVar:

ClinVar aggregate classification (germline): Uncertain significance (1 of 4 stars; one submission).

Conditions:
Hereditary pancreatitis (PCTT). Also called: Hereditary chronic pancreatitis; PRSS1-Related Hereditary Pancreatitis. Identifiers: Orphanet 676, MedGen C0238339, MONDO:0008185, OMIM 167800.

Allele frequency attached by ClinVar (database versions not stated): gnomAD exomes below 0.00001; ExAC 0.00020.

Submission:

Sema4
Classification: Uncertain significance for Hereditary pancreatitis. Last evaluated: 2021-06-03. Review status: criteria provided, single submitter. Criteria: Sema4 Curation Guidelines. Collection method: curation. Allele origin: germline.
Comment: To the best of our knowledge, the PRSS1 c.272C>T (p.A91V) variant has not been reported in individuals with PRSS1-related disease. This variant was observed in 35/21942 chromosomes in the African/African American population according to the Genome Aggregation Database (PMID: 32461654). The variant has not been reported in ClinVar. In silico tools suggest the impact of the variant on protein function is inconclusive, though these predictions have not been confirmed by functional studies. The evidence is insufficient to meet ACMG/AMP criteria for classifying the variant as benign or pathogenic. Thus, the clinical significance of this variant is currently uncertain.

NM_002769.5(PRSS1):c.272C>T (p.Ala91Val)

Genes: PRSS1 (serine protease 1; plus strand), TRB (T cell receptor beta locus; plus strand). Cytogenetic location: 7q34.
Variant type: single nucleotide variant.
Coding change: c.272C>T on transcript NM_002769.5 (MANE Select); coding-DNA position 272, C replaced by T.
Protein change: p.Ala91Val; replaces alanine 91 with valine.
Molecular consequence: missense variant. On other transcripts: non-coding transcript variant (4).
Genome position (GRCh38, 1-based): chr7:142,751,845, C>T. VCF-style: chr7-142751845-C-T. GRCh37 (hg19) VCF-style: chr7-142459696-C-T.
Other names: short protein forms A91V.
Identifiers: ClinVar variation 1692718 (VCV001692718.1), dbSNP rs748678217, ClinGen allele CA4529901.